The following is an entry in ClinVar:

ClinVar aggregate classification (germline): Uncertain significance (1 of 4 stars; one submission).

Conditions:
Cardiovascular phenotype. Identifiers: MedGen CN230736.

Submission:

Ambry Genetics
Classification: Uncertain significance for Cardiovascular phenotype. Last evaluated: 2024-12-20. Review status: criteria provided, single submitter. Criteria: Ambry Variant Classification Scheme 2023. Collection method: clinical testing. Allele origin: germline.
Comment: The p.S4C variant (also known as c.11C>G), located in coding exon 1 of the EYA4 gene, results from a C to G substitution at nucleotide position 11. The serine at codon 4 is replaced by cysteine, an amino acid with dissimilar properties. This amino acid position is conserved. In addition, the in silico prediction for this alteration is inconclusive. Based on the available evidence, the clinical significance of this variant remains unclear.

NM_004100.5(EYA4):c.11C>G (p.Ser4Cys)

Gene: EYA4 (EYA transcriptional coactivator and phosphatase 4; plus strand). Cytogenetic location: 6q23.2.
Variant type: single nucleotide variant.
Coding change: c.11C>G on transcript NM_004100.5 (MANE Select); coding-DNA position 11, C replaced by G.
Protein change: p.Ser4Cys; replaces serine 4 with cysteine.
Molecular consequence: missense variant.
Genome position (GRCh38, 1-based): chr6:133,274,791, C>G. VCF-style: chr6-133274791-C-G. GRCh37 (hg19) VCF-style: chr6-133595929-C-G.
Other names: c.11C>G, p.Ser4Cys (NM_001301012.2, NM_001301013.2, NM_001370458.1 and 3 more transcripts); short protein forms S4C.
Identifiers: ClinVar variation 3846929 (VCV003846929.1).